The following is an entry in ClinVar:

ClinVar aggregate classification (germline): Benign (0 of 4 stars; one submission).

Conditions:
HEPHL1-related disorder. Also called: HEPHL1-related condition.

Allele frequency attached by ClinVar (database versions not stated): gnomAD 0.01184; ESP Exome Variant Server 0.01229; TOPMed 0.01416; 1000 Genomes Project 0.01558; 1000 Genomes Project 30x 0.01858.
gnomAD v4.1: 3,562 of 1,613,128 alleles (0.22%); highest among the groups gnomAD compares: African/African-American, 4%; 72 homozygotes.

Submission:

PreventionGenetics, part of Exact Sciences
Classification: Benign for HEPHL1-related condition. Last evaluated: 2019-12-05. Review status: no assertion criteria provided. Collection method: clinical testing. Allele origin: germline.
Comment: This variant is classified as benign based on ACMG/AMP sequence variant interpretation guidelines (Richards et al. 2015 PMID: 25741868, with internal and published modifications).

NM_001098672.2(HEPHL1):c.671G>A (p.Arg224Gln)

Gene: HEPHL1 (hephaestin like 1; plus strand). Cytogenetic location: 11q21.
Variant type: single nucleotide variant.
Coding change: c.671G>A on transcript NM_001098672.2 (MANE Select); coding-DNA position 671, G replaced by A.
Protein change: p.Arg224Gln; replaces arginine 224 with glutamine.
Molecular consequence: missense variant.
Genome position (GRCh38, 1-based): chr11:94,064,373, G>A. VCF-style: chr11-94064373-G-A. GRCh37 (hg19) VCF-style: chr11-93797539-G-A.
Other names: short protein forms R224Q.
Identifiers: ClinVar variation 3056170 (VCV003056170.2), dbSNP rs73551201, ClinGen allele CA6233038.
Genomic context (GRCh38, chr11:94,064,373, plus strand): 5'-TTTGAATGTGCCTGACAGGTATCCTGAATAGATATTCAGGGACACGGAATGATGTGGATC[G>A]AGAGTTTGTTATAATGTTTACTCTTGTGGATGAGAATCAAAGCTGGTACCTCAATGAAAA-3'
Protein context (NP_001092142.1, residues 214-234): RYSGTRNDVD[Arg224Gln]EFVIMFTLVD